The following is an entry in ClinVar:

ClinVar aggregate classification (germline): Uncertain significance (1 of 4 stars; one submission).

Submission:

Labcorp Genetics (formerly Invitae), Labcorp
Classification: Uncertain significance. Last evaluated: 2025-03-07. Review status: criteria provided, single submitter. Criteria: Invitae Variant Classification Sherloc (09022015). Collection method: clinical testing. Allele origin: germline.
Comment: This sequence change creates a premature translational stop signal (p.Arg441Serfs*7) in the DARS gene. It is expected to result in an absent or disrupted protein product. However, the current clinical and genetic evidence is not sufficient to establish whether loss-of-function variants in DARS cause disease. This variant is present in population databases (rs768678855, gnomAD 0.002%). This variant has not been reported in the literature in individuals affected with DARS-related conditions. In summary, the available evidence is currently insufficient to determine the role of this variant in disease. Therefore, it has been classified as a Variant of Uncertain Significance.

NM_001349.4(DARS1):c.1323_1324del (p.Arg441fs)

Gene: DARS1 (aspartyl-tRNA synthetase 1; minus strand). Cytogenetic location: 2q21.3.
Variant type: Microsatellite.
Coding change: c.1323_1324del on transcript NM_001349.4 (MANE Select); coding-DNA positions 1323 to 1324, 2 bases deleted (AG; older notation c.1323_1324delAG).
Protein change: p.Arg441fs; shifts the reading frame from arginine 441.
Molecular consequence: frameshift variant.
Genome position (GRCh38, 1-based): chr2:135,911,400-135,911,401, CT deleted on the plus strand (AG on the coding strand, the reverse complement: DARS1 is on the minus strand); deleting any 2 consecutive bases within chr2:135,911,400-135,911,407 gives the same sequence; the c. name uses the placement nearest the transcript's 3' end. VCF-style (leftmost placement, unchanged base first): chr2-135911399-GCT-G. GRCh37 (hg19) VCF-style: chr2-136668969-GCT-G.
Other names: c.1023_1024del, p.Arg341fs (NM_001293312.1); short protein forms R341fs, R441fs.
Identifiers: ClinVar variation 1682546 (VCV001682546.6), dbSNP rs768678855, ClinGen allele CA56652255.